The following is an entry in ClinVar:

ClinVar aggregate classification (germline): Uncertain significance (1 of 4 stars; one submission).

Conditions:
Cardiovascular phenotype. Identifiers: MedGen CN230736.

Submission:

Ambry Genetics
Classification: Uncertain significance for Cardiovascular phenotype. Last evaluated: 2026-06-22. Review status: criteria provided, single submitter. Criteria: Ambry Variant Classification Scheme 2023. Collection method: clinical testing. Allele origin: germline.
Comment: The p.A298D variant (also known as c.893C>A), located in coding exon 3 of the APOA5 gene, results from a C to A substitution at nucleotide position 893. The alanine at codon 298 is replaced by aspartic acid, an amino acid with dissimilar properties. This amino acid position is conserved. In addition, this alteration is predicted to be tolerated by in silico analysis. Based on the available evidence, the clinical significance of this variant remains unclear.

NM_001371904.1(APOA5):c.893C>A (p.Ala298Asp)

Gene: APOA5 (apolipoprotein A5; minus strand). Cytogenetic location: 11q23.3.
Variant type: single nucleotide variant.
Coding change: c.893C>A on transcript NM_001371904.1 (MANE Select); coding-DNA position 893, C replaced by A.
Protein change: p.Ala298Asp; replaces alanine 298 with aspartic acid.
Molecular consequence: missense variant.
Genome position (GRCh38, 1-based): chr11:116,790,336, G>T on the plus strand (C>A on the coding strand, the complement: APOA5 is on the minus strand). VCF-style: chr11-116790336-G-T. GRCh37 (hg19) VCF-style: chr11-116661052-G-T.
Other names: c.893C>A, p.Ala298Asp (NM_001166598.2, NM_052968.5); short protein forms A298D.
Identifiers: ClinVar variation 5026481 (VCV005026481.1).
Genomic context (GRCh38, chr11:116,790,336, plus strand): 5'-GGAGGTGGCGCCAGCTGCTGCTGGACCTCCTCAGTCTCCTGGTCGATGGCGCGAGTGAAG[G>T]CAGCTATCTGCAGGTAGGTGTCCTGGCGGAAAGCCTGAAGTCGCTGGCGCACCTCCTCGG-3'
Protein context (NP_001358833.1, residues 288-308): FRQDTYLQIA[Ala298Asp]FTRAIDQETE